The following is an entry in ClinVar:

ClinVar aggregate classification (germline): Benign (1 of 4 stars; one submission).

Conditions:
Familial adenomatous polyposis 1 (FAP1). Also called: POLYPOSIS, ADENOMATOUS INTESTINAL; FAMILIAL ADENOMATOUS POLYPOSIS 1, ATTENUATED. Identifiers: MedGen C2713442, MONDO:0021056, OMIM 175100. Disease mechanism: loss of function.

Submission:

Myriad Genetics, Inc.
Classification: Benign for Familial adenomatous polyposis 1. Last evaluated: 2024-03-01. Review status: criteria provided, single submitter. Criteria: Myriad Autosomal Dominant, Autosomal Recessive and X-Linked Classification Criteria (2023). Collection method: clinical testing. Allele origin: unknown.
Comment: This variant is considered benign. This variant is a silent/synonymous amino acid change and it is not expected to impact splicing.

NM_000038.6(APC):c.1228T>C (p.Leu410=)

Gene: APC (APC regulator of Wnt signaling pathway; plus strand). Cytogenetic location: 5q22.2.
Variant type: single nucleotide variant.
Coding change: c.1228T>C on transcript NM_000038.6 (MANE Select); coding-DNA position 1228, T replaced by C.
Protein change: p.Leu410=; no amino-acid change (leucine 410 retained).
Molecular consequence: synonymous variant. On other transcripts: non-coding transcript variant (2), intron variant (15).
Genome position (GRCh38, 1-based): chr5:112,819,260, T>C. VCF-style: chr5-112819260-T-C. GRCh37 (hg19) VCF-style: chr5-112154957-T-C.
Other names: c.1228T>C, p.Leu410= (NM_001127510.3, NM_001354895.2, NM_001354896.2 and 4 more transcripts); c.1174T>C, p.Leu392= (NM_001127511.3); c.1258T>C, p.Leu420= (NM_001354897.2, NM_001407446.1); c.1153T>C, p.Leu385= (NM_001354898.2, NM_001407451.1); c.1144T>C, p.Leu382= (NM_001354899.2, NM_001407452.1); c.1051T>C, p.Leu351= (NM_001354900.2, NM_001354901.2, NM_001407453.1); c.379T>C, p.Leu127= (NM_001354906.2, NM_001407470.1); c.85-9T>C (NM_001407472.1, NM_001407471.1); and 5 more.
Identifiers: ClinVar variation 3148186 (VCV003148186.1), dbSNP rs2149782820, ClinGen allele CA445960365.
Genomic context (GRCh38, chr5:112,819,260, plus strand): 5'-ATCATTCACTCACAGCCTGATGACAAGAGAGGCAGGCGTGAAATCCGAGTCCTTCATCTT[T>C]TGGAACAGATACGCGCTTACTGTGAAACCTGTTGGGAGTGGCAGGAAGCTCATGAACCAG-3'
Protein context (NP_000029.2, residues 400-420): GRREIRVLHL[Leu410=]EQIRAYCETC